The following is an entry in ClinVar:

NM_033004.4(NLRP1):c.4240G>A (p.Glu1414Lys)

Gene: NLRP1 (NLR family pyrin domain containing 1; minus strand). Cytogenetic location: 17p13.2.
Variant type: single nucleotide variant.
Coding change: c.4240G>A on transcript NM_033004.4 (MANE Select); coding-DNA position 4240, G replaced by A.
Protein change: p.Glu1414Lys; replaces glutamic acid 1414 with lysine.
Molecular consequence: missense variant. On other transcripts: intron variant (1).
Genome position (GRCh38, 1-based): chr17:5,514,936, C>T on the plus strand (G>A on the coding strand, the complement: NLRP1 is on the minus strand). VCF-style: chr17-5514936-C-T. GRCh37 (hg19) VCF-style: chr17-5418256-C-T.
Other names: c.4108G>A, p.Glu1370Lys (NM_014922.5); c.4150G>A, p.Glu1384Lys (NM_033006.4); c.4018G>A, p.Glu1340Lys (NM_033007.4); c.4069+2810G>A (NM_001033053.3); short protein forms E1340K, E1370K, E1414K, E1384K.
Identifiers: ClinVar variation 4690309 (VCV004690309.1).
Genomic context (GRCh38, chr17:5,514,936, plus strand): 5'-GGCTCAAGCTGAACAGCTTCCGCATCTGGCTGGGCCTCGTGTTCTCAGCCAGCACCCTCT[C>T]GTACTGCTCCTGGCTCAGCACCTGTCCATGCAGTTTGTCCAAGACAACCTCCACCGATGT-3'
Protein context (NP_127497.1, residues 1404-1424): HGQVLSQEQY[Glu1414Lys]RVLAENTRPS

ClinVar aggregate classification (germline): Uncertain significance (1 of 4 stars; one submission).

gnomAD v4.1: 16 of 1,614,098 alleles (0.00099%); highest among the groups gnomAD compares: East Asian, 0.0022%; no homozygotes.

Submission:

Labcorp Genetics (formerly Invitae), Labcorp
Classification: Uncertain significance. Last evaluated: 2025-09-07. Review status: criteria provided, single submitter. Criteria: Invitae Variant Classification Sherloc (09022015). Collection method: clinical testing. Allele origin: germline.
Comment: This sequence change replaces glutamic acid, which is acidic and polar, with lysine, which is basic and polar, at codon 1414 of the NLRP1 protein (p.Glu1414Lys). This variant is present in population databases (rs748877010, gnomAD 0.003%). This variant has not been reported in the literature in individuals affected with NLRP1-related conditions. An algorithm developed to predict the effect of missense changes on protein structure and function outputs the following: PolyPhen-2: "Probably Damaging". The lysine amino acid residue is found in multiple mammalian species, which suggests that this missense change does not adversely affect protein function. In summary, the available evidence is currently insufficient to determine the role of this variant in disease. Therefore, it has been classified as a Variant of Uncertain Significance.